The following is an entry in ClinVar:

ClinVar aggregate classification (germline): Pathogenic (1 of 4 stars; one submission).

Submission:

Labcorp Genetics (formerly Invitae), Labcorp
Classification: Pathogenic. Last evaluated: 2025-12-23. Review status: criteria provided, single submitter. Criteria: Invitae Variant Classification Sherloc (09022015). Collection method: clinical testing. Allele origin: germline.
Comment: This sequence change creates a premature translational stop signal (p.Cys425Leufs*57) in the ABCG8 gene. It is expected to result in an absent or disrupted protein product. Loss-of-function variants in ABCG8 are known to be pathogenic (PMID: 11452359, 15375183, 16029460). This variant is not present in population databases (gnomAD no frequency). This variant has not been reported in the literature in individuals affected with ABCG8-related conditions. For these reasons, this variant has been classified as Pathogenic.

Literature cited by the submitters: PubMed 11452359; PubMed 15375183; PubMed 16029460.

NM_022437.3(ABCG8):c.1272dup (p.Cys425fs)

Gene: ABCG8 (ATP binding cassette subfamily G member 8; plus strand). Cytogenetic location: 2p21.
Variant type: Duplication.
Coding change: c.1272dup on transcript NM_022437.3 (MANE Select); coding-DNA position 1272, one base duplicated (C; older notation c.1272dupC).
Protein change: p.Cys425fs; shifts the reading frame from cysteine 425.
Molecular consequence: frameshift variant.
Genome position (GRCh38, 1-based): chr2:43,873,847, C duplicated; the last of 2 consecutive C bases (chr2:43,873,846-43,873,847); duplicating either gives the same sequence. VCF-style (leftmost placement, unchanged base first): chr2-43873845-G-GC. GRCh37 (hg19) VCF-style: chr2-44100984-G-GC.
Other names: c.1269dup, p.Cys424fs (NM_001357321.2); short protein forms C425fs, C424fs.
Identifiers: ClinVar variation 4733548 (VCV004733548.1).